The following is an entry in ClinVar:

NM_000082.4(ERCC8):c.243T>G (p.Tyr81Ter)

Gene: ERCC8 (ERCC excision repair 8, CSA ubiquitin ligase complex subunit; minus strand). Cytogenetic location: 5q12.1.
Variant type: single nucleotide variant.
Coding change: c.243T>G on transcript NM_000082.4 (MANE Select); coding-DNA position 243, T replaced by G.
Protein change: p.Tyr81Ter; replaces tyrosine 81 with a stop codon.
Molecular consequence: nonsense. On other transcripts: 5 prime UTR variant (1).
Genome position (GRCh38, 1-based): chr5:60,922,086, A>C on the plus strand (T>G on the coding strand, the complement: ERCC8 is on the minus strand). VCF-style: chr5-60922086-A-C. GRCh37 (hg19) VCF-style: chr5-60217913-A-C.
Other names: c.69T>G, p.Tyr23Ter (NM_001007233.3); c.243T>G, p.Tyr81Ter (NM_001007234.3); c.-135T>G (NM_001290285.2); short protein forms Y81*, Y23*.
Identifiers: ClinVar variation 2839529 (VCV002839529.3), dbSNP rs2531839542, ClinGen allele CA359828174.

ClinVar aggregate classification (germline): Pathogenic (1 of 4 stars; one submission).

Submission:

Labcorp Genetics (formerly Invitae), Labcorp
Classification: Pathogenic. Last evaluated: 2023-02-21. Review status: criteria provided, single submitter. Criteria: Invitae Variant Classification Sherloc (09022015). Collection method: clinical testing. Allele origin: germline.
Comment: This sequence change creates a premature translational stop signal (p.Tyr81*) in the ERCC8 gene. It is expected to result in an absent or disrupted protein product. Loss-of-function variants in ERCC8 are known to be pathogenic (PMID: 29572252). This variant is not present in population databases (gnomAD no frequency). This variant has not been reported in the literature in individuals affected with ERCC8-related conditions. Algorithms developed to predict the effect of sequence changes on RNA splicing suggest that this variant may disrupt the consensus splice site. For these reasons, this variant has been classified as Pathogenic.

Literature cited by the submitters: PubMed 29572252.